The following is an entry in ClinVar:

NM_001042681.2(RERE):c.2461_2472del (p.Ser821_Pro824del)

Gene: RERE (arginine-glutamic acid dipeptide repeats; minus strand). Cytogenetic location: 1p36.23.
Variant type: Deletion.
Coding change: c.2461_2472del on transcript NM_001042681.2 (MANE Select); coding-DNA positions 2461 to 2472, 12 bases deleted (TCGCCACATCCC).
Protein change: p.Ser821_Pro824del.
Molecular consequence: inframe deletion.
Genome position (GRCh38, 1-based): chr1:8,361,035-8,361,046, GGGATGTGGCGA deleted on the plus strand (TCGCCACATCCC on the coding strand, the reverse complement: RERE is on the minus strand); deleting any 12 consecutive bases within chr1:8,361,035-8,361,052 gives the same sequence; the c. name uses the placement nearest the transcript's 3' end. VCF-style (leftmost placement, unchanged base first): chr1-8361034-GGGGATGTGGCGA-G. GRCh37 (hg19) VCF-style: chr1-8421094-GGGGATGTGGCGA-G.
Other names: c.799_810del, p.Ser267_Pro270del (NM_001042682.2); c.2461_2472del, p.Ser821_Pro824del (NM_012102.4).
Identifiers: ClinVar variation 4879252 (VCV004879252.2).

ClinVar aggregate classification (germline): Uncertain significance. Review status: criteria provided, multiple submitters, no conflicts (2 of 4 stars). 2 submissions from 2 submitters: Uncertain significance (2). Last evaluated 2026-03-22.

Conditions:
Neurodevelopmental disorder with or without anomalies of the brain, eye, or heart (NEDBEH). Identifiers: Orphanet 494344, MedGen C5567477, MONDO:0014857, OMIM 616975.

Submissions (2):

Clinical Genomics Laboratory, Washington University in St. Louis
Classification: Uncertain significance for Neurodevelopmental disorder with or without anomalies of the brain, eye, or heart. Last evaluated: 2026-03-22. Review status: criteria provided, single submitter. Criteria: ACMG Guidelines, 2015. Collection method: clinical testing. Allele origin: germline.
Comment: The RERE c.2461_2472del (p.Ser821_Pro824del) variant, to our knowledge, has not been reported in the medical literature. This variant is absent from the general population (gnomAD v.2.1), indicating it is not a common variant. This variant is predicted to cause a change in the length of the protein due to an in-frame duplication of four amino acids in a non-repeat region. Due to limited information, and based on ACMG/AMP guidelines for variant interpretation (Richards S et al., PMID: 25741868), the clinical significance of this variant is uncertain at this time.

Blueprint Genetics
Classification: Uncertain significance. Last evaluated: 2020-04-03. Review status: criteria provided, single submitter. Criteria: ACMG Guidelines, 2015. Collection method: clinical testing. Allele origin: germline.